The following is an entry in ClinVar:

ClinVar aggregate classification (germline): Likely pathogenic. Review status: reviewed by expert panel (3 of 4 stars). 2 submissions from 2 submitters: Likely pathogenic (1). 1 of the submissions does not count toward it. Last evaluated 2025-02-18.

Conditions:
Glanzmann thrombasthenia. Also called: PLATELET GLYCOPROTEIN IIb-IIIa DEFICIENCY; Glanzmann's thrombasthenia; BLEEDING DISORDER, PLATELET-TYPE, 2; THROMBASTHENIA OF GLANZMANN AND NAEGELI; Thrombasthenia. Identifiers: Orphanet 849, MedGen C0040015, MONDO:0100326.

Allele frequency attached by ClinVar (database versions not stated): gnomAD 0.00001.
gnomAD v4.1: 1 of 1,604,604 alleles (0.000062%); highest among the groups gnomAD compares: Non-Finnish European, 0.000085%; no homozygotes.

Submissions (2):

ClinGen Platelet Disorders Variant Curation Expert Panel, ClinGen
Classification: Likely pathogenic for Glanzmann thrombasthenia. Last evaluated: 2025-02-18. Review status: reviewed by expert panel. Criteria: ClinGen Platelet ACMG Specifications v2-1. Collection method: curation. Allele origin: germline. Inheritance: Autosomal recessive inheritance.
Comment: The NM_000419.5(ITGA2B):c.408G>C (p.Val136=) variant is adjacent to the splice donor site of intron 3. The computational splicing predictor SpliceAI gives a score of 0.85 for donor loss, predicting that the variant disrupts the donor splice site of intron 3 (PP3). The predicted result is skipping of exon 3 resulting in a frameshift and a premature stop codon in exon 4 of 30, leading to NMD which is consistent with the fact that αIIb mRNA was undetectable in the patient. One patient (Patient GT5 in PMID:25373348) with this variant displayed mucocutaneous bleeding and impaired aggregation with all agonists except ristocetin, which is highly specific for Glanzmann thrombasthenia. Additionally, αIIbβ3 surface expression was severely reduced, as measured by flow cytometry and function was pathological. ITGA2B and ITGB3 were sequenced across all exons and intron/exon boundaries (PP4_strong). GT5 of PMID: 25373348 is compound heterozygous, without confirmation of trans phase reported, for c.408G>C and Ile596Thr (classified Pathogenic by the PD-EP; PM3_supporting). The highest population minor allele frequency in gnomAD v4.1 is 8.508e-7 (1/1175340 alleles) in the European non-Finnish population, which is lower than the ClinGen PD VCEP threshold (<0.0001; PM2_Supporting). In summary this variant meets criteria to be classified as Likely Pathogenic for autosomal recessive Glanzmann Thrombasthenia based on the ACMG/AMP criteria applied, as specified by the ClinGen PD VCEP: PP4_strong, PP3, PM2_supporting, PM3_supporting. (VCEP specifications version 2)

Labcorp Genetics (formerly Invitae), Labcorp
Classification: Uncertain significance for Glanzmann thrombasthenia. Last evaluated: 2024-07-03. Review status: criteria provided, single submitter. Criteria: Invitae Variant Classification Sherloc (09022015). Collection method: clinical testing. Allele origin: germline. Not counted in ClinVar's aggregate classification.
Comment: This sequence change affects codon 136 of the ITGA2B mRNA. It is a 'silent' change, meaning that it does not change the encoded amino acid sequence of the ITGA2B protein. This variant also falls at the last nucleotide of exon 3, which is part of the consensus splice site for this exon. The frequency data for this variant in the population databases is considered unreliable, as metrics indicate poor data quality at this position in the gnomAD database. This variant has been observed in individual(s) with Glanzmann thrombasthenia (PMID: 25373348). ClinVar contains an entry for this variant (Variation ID: 1691478). Variants that disrupt the consensus splice site are a relatively common cause of aberrant splicing (PMID: 17576681, 9536098). Algorithms developed to predict the effect of sequence changes on RNA splicing suggest that this variant may disrupt the consensus splice site. In summary, the available evidence is currently insufficient to determine the role of this variant in disease. Therefore, it has been classified as a Variant of Uncertain Significance.

Literature cited by the submitters: PubMed 25373348 (cited by Labcorp Genetics (formerly Invitae), Labcorp); PubMed 17576681 (cited by Labcorp Genetics (formerly Invitae), Labcorp); PubMed 9536098 (cited by Labcorp Genetics (formerly Invitae), Labcorp).

NM_000419.5(ITGA2B):c.408G>C (p.Val136=)

Genes: ITGA2B (integrin subunit alpha 2b; minus strand), LOC130060983 (ATAC-STARR-seq lymphoblastoid active region 12261; plus strand). Cytogenetic location: 17q21.31.
Variant type: single nucleotide variant.
Coding change: c.408G>C on transcript NM_000419.5 (MANE Select); coding-DNA position 408, G replaced by C.
Protein change: p.Val136=; no amino-acid change (valine 136 retained).
Molecular consequence: synonymous variant.
Genome position (GRCh38, 1-based): chr17:44,385,824, C>G on the plus strand (G>C on the coding strand, the complement: ITGA2B is on the minus strand). VCF-style: chr17-44385824-C-G. GRCh37 (hg19) VCF-style: chr17-42463192-C-G.
Other names: NM_000419.5:c.408G>C.
Identifiers: ClinVar variation 1691478 (VCV001691478.5), dbSNP rs1400938437, ClinGen allele CA500624244.
Genomic context (GRCh38, chr17:44,385,824, plus strand): 5'-TCCTGGCCCCAGGTGTCCCTGCCCCCGATTGTTCCCTGTGCCCTGTACCGCGGGGCCCAC[C>G]ACAATGACGTCGCTCCAGCTGACGACCGACGCCCCCAGTCCTTGGCGGGCCTTGAAGGTT-3'
Protein context (NP_000410.2, residues 126-146): ASVVSWSDVI[Val136=]ACAPWQHWNV